The following is an entry in ClinVar:

NM_001023570.4(IQCB1):c.1501G>T (p.Glu501Ter)

Gene: IQCB1 (IQ motif containing B1; minus strand). Cytogenetic location: 3q13.33.
Variant type: single nucleotide variant.
Coding change: c.1501G>T on transcript NM_001023570.4 (MANE Select); coding-DNA position 1501, G replaced by T.
Protein change: p.Glu501Ter; replaces glutamic acid 501 with a stop codon.
Molecular consequence: nonsense. On other transcripts: non-coding transcript variant (1).
Genome position (GRCh38, 1-based): chr3:121,772,623, C>A on the plus strand (G>T on the coding strand, the complement: IQCB1 is on the minus strand). VCF-style: chr3-121772623-C-A. GRCh37 (hg19) VCF-style: chr3-121491470-C-A.
Other names: c.1102G>T, p.Glu368Ter (NM_001023571.4); c.1501G>T, p.Glu501Ter (NM_001319107.2); short protein forms E501*, E368*.
Identifiers: ClinVar variation 3673021 (VCV003673021.2).

ClinVar aggregate classification (germline): Pathogenic (1 of 4 stars; one submission).

Conditions:
Nephronophthisis. Also called: Juvenile Nephronophthisis. Identifiers: Orphanet 655, MedGen C0687120, MONDO:0019005, HP:0000090.

Submission:

Labcorp Genetics (formerly Invitae), Labcorp
Classification: Pathogenic for Nephronophthisis. Last evaluated: 2024-09-18. Review status: criteria provided, single submitter. Criteria: Invitae Variant Classification Sherloc (09022015). Collection method: clinical testing. Allele origin: germline.
Comment: This sequence change creates a premature translational stop signal (p.Glu501*) in the IQCB1 gene. It is expected to result in an absent or disrupted protein product. Loss-of-function variants in IQCB1 are known to be pathogenic (PMID: 15723066, 21901789, 23559409, 28041643). This variant is not present in population databases (gnomAD no frequency). This variant has not been reported in the literature in individuals affected with IQCB1-related conditions. Algorithms developed to predict the effect of sequence changes on RNA splicing suggest that this variant may disrupt the consensus splice site. For these reasons, this variant has been classified as Pathogenic.

Literature cited by the submitters: PubMed 15723066; PubMed 21901789; PubMed 23559409; PubMed 28041643.